The following is an entry in ClinVar:

ClinVar aggregate classification (germline): Uncertain significance. Review status: criteria provided, multiple submitters, no conflicts (2 of 4 stars). 4 submissions from 4 submitters: Uncertain significance (4). Last evaluated 2025-01-29.

Conditions:
Inborn genetic diseases. Identifiers: MedGen C0950123, MeSH D030342.
Platelet abnormalities with eosinophilia and immune-mediated inflammatory disease. Also called: IMMUNODEFICIENCY 71 WITH INFLAMMATORY DISEASE AND CONGENITAL THROMBOCYTOPENIA. Identifiers: MedGen C4540232, MONDO:0060583, OMIM 617718.

Allele frequency attached by ClinVar (database versions not stated): gnomAD 0.00001 and 0.00003; ExAC 0.00003; gnomAD exomes 0.00003 and 0.00004; TOPMed 0.00004; ESP Exome Variant Server 0.00008; 1000 Genomes Project 30x 0.00016; 1000 Genomes Project 0.00020.

Submissions (4):

Labcorp Genetics (formerly Invitae), Labcorp
Classification: Uncertain significance. Last evaluated: 2025-01-29. Review status: criteria provided, single submitter. Criteria: Invitae Variant Classification Sherloc (09022015). Collection method: clinical testing. Allele origin: germline.
Comment: This sequence change replaces alanine, which is neutral and non-polar, with valine, which is neutral and non-polar, at codon 238 of the ARPC1B protein (p.Ala238Val). This variant is present in population databases (rs369966813, gnomAD 0.01%). This variant has not been reported in the literature in individuals affected with ARPC1B-related conditions. ClinVar contains an entry for this variant (Variation ID: 1301680). Invitae Evidence Modeling of protein sequence and biophysical properties (such as structural, functional, and spatial information, amino acid conservation, physicochemical variation, residue mobility, and thermodynamic stability) indicates that this missense variant is not expected to disrupt ARPC1B protein function with a negative predictive value of 80%. In summary, the available evidence is currently insufficient to determine the role of this variant in disease. Therefore, it has been classified as a Variant of Uncertain Significance.

Ambry Genetics
Classification: Uncertain significance for Inborn genetic diseases. Last evaluated: 2025-01-01. Review status: criteria provided, single submitter. Criteria: Ambry Variant Classification Scheme 2023. Collection method: clinical testing. Allele origin: germline.

Dubai Health Genomic Medicine Center, Dubai Health
Classification: Uncertain significance for Platelet abnormalities with eosinophilia and immune-mediated inflammatory disease. Last evaluated: 2021-03-22. Review status: criteria provided, single submitter. Criteria: ACMG Guidelines, 2015. Collection method: clinical testing. Allele origin: germline. Affected: yes.

Breakthrough Genomics
Classification: Uncertain significance. Review status: criteria provided, single submitter. Criteria: ACMG Guidelines, 2015. Collection method: not provided. Allele origin: germline. Inheritance: Autosomal recessive inheritance. Affected: yes.

NM_005720.4(ARPC1B):c.713C>T (p.Ala238Val)

Gene: ARPC1B (actin related protein 2/3 complex subunit 1B; plus strand). Cytogenetic location: 7q22.1.
Variant type: single nucleotide variant.
Coding change: c.713C>T on transcript NM_005720.4 (MANE Select); coding-DNA position 713, C replaced by T.
Protein change: p.Ala238Val; replaces alanine 238 with valine.
Molecular consequence: missense variant.
Genome position (GRCh38, 1-based): chr7:99,391,183, C>T. VCF-style: chr7-99391183-C-T. GRCh37 (hg19) VCF-style: chr7-98988806-C-T.
Other names: c.713C>T (NM_005720.3); short protein forms A238V.
Identifiers: ClinVar variation 1301680 (VCV001301680.11), dbSNP rs369966813, ClinGen allele CA4364115.
Genomic context (GRCh38, chr7:99,391,183, plus strand): 5'-GAGGAGGTGAGTGCAGAGGAGTGGGACACCGTGACTCACAGCTCTCTCCCCTCAGCGTCG[C>T]GACTCTGGCCTCTGAAACACTACCACTGCTGGCGCTGACCTTCATCACAGACAACAGCCT-3'
Protein context (NP_005711.1, residues 228-248): LADADKKMAV[Ala238Val]TLASETLPLL